The following is an entry in ClinVar:

NM_024675.4(PALB2):c.2915del (p.Leu972fs)

Gene: PALB2 (partner and localizer of BRCA2; minus strand). Cytogenetic location: 16p12.2.
Variant type: Deletion.
Coding change: c.2915del on transcript NM_024675.4 (MANE Select); coding-DNA position 2915, one base deleted (T; older notation c.2915delT).
Protein change: p.Leu972fs; shifts the reading frame from leucine 972.
Molecular consequence: frameshift variant.
Genome position (GRCh38, 1-based): chr16:23,623,050, A deleted on the plus strand (T on the coding strand, the reverse complement: PALB2 is on the minus strand). VCF-style (leftmost placement, unchanged base first): chr16-23623049-CA-C. GRCh37 (hg19) VCF-style: chr16-23634370-CA-C.
Other names: c.2915delT (NM_024675.3); short protein forms L972fs.
Identifiers: ClinVar variation 460970 (VCV000460970.14), dbSNP rs1555459553, ClinGen allele CA658658397.

ClinVar aggregate classification (germline): Pathogenic. Review status: criteria provided, multiple submitters, no conflicts (2 of 4 stars). 3 submissions from 3 submitters: Pathogenic (3). Last evaluated 2024-05-17.

Conditions:
Hereditary cancer-predisposing syndrome. Also called: Neoplastic Syndromes, Hereditary; Hereditary Cancer Syndrome; Hereditary neoplastic syndrome; Tumor predisposition. Identifiers: Orphanet 140162, MedGen C0027672, MeSH D009386, MONDO:0015356.
Familial cancer of breast. Also called: BREAST CANCER, FAMILIAL; Hereditary breast cancer; hereditary breast carcinoma. Identifiers: Orphanet 227535, MedGen C0346153, MONDO:0016419, OMIM 114480. Disease mechanism: loss of function.

Allele frequency attached by ClinVar (database versions not stated): gnomAD exomes below 0.00001.

Submissions (3):

Ambry Genetics
Classification: Pathogenic for Hereditary cancer-predisposing syndrome. Last evaluated: 2024-05-17. Review status: criteria provided, single submitter. Criteria: Ambry Variant Classification Scheme 2023. Collection method: clinical testing. Allele origin: germline.
Comment: The c.2915delT pathogenic mutation, located in coding exon 9 of the PALB2 gene, results from a deletion of one nucleotide at nucleotide position 2915, causing a translational frameshift with a predicted alternate stop codon (p.L972Rfs*6). This variant is considered to be rare based on population cohorts in the Genome Aggregation Database (gnomAD). This alteration is expected to result in loss of function by premature protein truncation or nonsense-mediated mRNA decay. As such, this alteration is interpreted as a disease-causing mutation.

Labcorp Genetics (formerly Invitae), Labcorp
Classification: Pathogenic for Familial cancer of breast. Last evaluated: 2024-01-08. Review status: criteria provided, single submitter. Criteria: Invitae Variant Classification Sherloc (09022015). Collection method: clinical testing. Allele origin: germline.
Comment: This sequence change creates a premature translational stop signal (p.Leu972Argfs*6) in the PALB2 gene. It is expected to result in an absent or disrupted protein product. Loss-of-function variants in PALB2 are known to be pathogenic (PMID: 17200668, 17200671, 17200672, 24136930, 25099575). This variant is not present in population databases (gnomAD no frequency). This premature translational stop signal has been observed in individual(s) with breast cancer (PMID: 29431189). ClinVar contains an entry for this variant (Variation ID: 460970). For these reasons, this variant has been classified as Pathogenic.

Myriad Genetics, Inc.
Classification: Pathogenic for Familial cancer of breast. Last evaluated: 2023-09-14. Review status: criteria provided, single submitter. Criteria: Myriad Autosomal Dominant, Autosomal Recessive and X-Linked Classification Criteria (2023). Collection method: clinical testing. Allele origin: unknown.
Comment: This variant is considered pathogenic. This variant creates a frameshift predicted to result in premature protein truncation.

Literature cited by the submitters: PubMed 17200668 (cited by Labcorp Genetics (formerly Invitae), Labcorp); PubMed 17200671 (cited by Labcorp Genetics (formerly Invitae), Labcorp); PubMed 17200672 (cited by Labcorp Genetics (formerly Invitae), Labcorp); PubMed 24136930 (cited by Labcorp Genetics (formerly Invitae), Labcorp); PubMed 25099575 (cited by Labcorp Genetics (formerly Invitae), Labcorp); PubMed 29431189 (cited by Labcorp Genetics (formerly Invitae), Labcorp).